The following is an entry in ClinVar:

NM_002294.3(LAMP2):c.671C>T (p.Ser224Leu)

Gene: LAMP2 (lysosome associated membrane protein 2; minus strand). Cytogenetic location: Xq24.
Variant type: single nucleotide variant.
Coding change: c.671C>T on transcript NM_002294.3 (MANE Select); coding-DNA position 671, C replaced by T.
Protein change: p.Ser224Leu; replaces serine 224 with leucine.
Molecular consequence: missense variant.
Genome position (GRCh38, 1-based): chrX:120,447,911, G>A on the plus strand (C>T on the coding strand, the complement: LAMP2 is on the minus strand). VCF-style: chrX-120447911-G-A. GRCh37 (hg19) VCF-style: chrX-119581766-G-A.
Other names: c.671C>T, p.Ser224Leu (NM_001122606.1, NM_013995.2); short protein forms S224L.
Identifiers: ClinVar variation 4700618 (VCV004700618.1).

ClinVar aggregate classification (germline): Uncertain significance (1 of 4 stars; one submission).

Conditions:
Danon disease. Also called: PSEUDOGLYCOGENOSIS II; GSD IIb; LYSOSOMAL GLYCOGEN STORAGE DISEASE WITHOUT ACID MALTASE DEFICIENCY; Glycogen Storage Disease Type IIb; ANTOPOL DISEASE. Identifiers: Orphanet 34587, MedGen C0878677, MONDO:0010281, OMIM 300257.

gnomAD v4.1: 1 of 1,210,739 alleles (0.000083%); highest among the groups gnomAD compares: East Asian, 0.003%; no homozygotes.

Submission:

Labcorp Genetics (formerly Invitae), Labcorp
Classification: Uncertain significance for Danon disease. Last evaluated: 2025-06-20. Review status: criteria provided, single submitter. Criteria: Invitae Variant Classification Sherloc (09022015). Collection method: clinical testing. Allele origin: germline.
Comment: This sequence change replaces serine, which is neutral and polar, with leucine, which is neutral and non-polar, at codon 224 of the LAMP2 protein (p.Ser224Leu). This variant is present in population databases (no rsID available, gnomAD 0.008%). This variant has not been reported in the literature in individuals affected with LAMP2-related conditions. Invitae Evidence Modeling of protein sequence and biophysical properties (such as structural, functional, and spatial information, amino acid conservation, physicochemical variation, residue mobility, and thermodynamic stability) indicates that this missense variant is not expected to disrupt LAMP2 protein function with a negative predictive value of 80%. In summary, the available evidence is currently insufficient to determine the role of this variant in disease. Therefore, it has been classified as a Variant of Uncertain Significance.